The following is an entry in ClinVar:

ClinVar aggregate classification (germline): Uncertain significance (1 of 4 stars; one submission).

Submission:

Labcorp Genetics (formerly Invitae), Labcorp
Classification: Uncertain significance. Last evaluated: 2022-09-27. Review status: criteria provided, single submitter. Criteria: Invitae Variant Classification Sherloc (09022015). Collection method: clinical testing. Allele origin: germline.
Comment: Algorithms developed to predict the effect of missense changes on protein structure and function output the following: SIFT: "Deleterious"; PolyPhen-2: "Benign"; Align-GVGD: "Class C0". The alanine amino acid residue is found in multiple mammalian species, which suggests that this missense change does not adversely affect protein function. This variant has not been reported in the literature in individuals affected with MERTK-related conditions. This variant is not present in population databases (gnomAD no frequency). This sequence change replaces threonine, which is neutral and polar, with alanine, which is neutral and non-polar, at codon 950 of the MERTK protein (p.Thr950Ala). In summary, the available evidence is currently insufficient to determine the role of this variant in disease. Therefore, it has been classified as a Variant of Uncertain Significance.

NM_006343.3(MERTK):c.2848A>G (p.Thr950Ala)

Gene: MERTK (MER proto-oncogene, tyrosine kinase; plus strand). Cytogenetic location: 2q13.
Variant type: single nucleotide variant.
Coding change: c.2848A>G on transcript NM_006343.3 (MANE Select); coding-DNA position 2848, A replaced by G.
Protein change: p.Thr950Ala; replaces threonine 950 with alanine.
Molecular consequence: missense variant.
Genome position (GRCh38, 1-based): chr2:112,028,712, A>G. VCF-style: chr2-112028712-A-G. GRCh37 (hg19) VCF-style: chr2-112786289-A-G.
Other names: short protein forms T950A.
Identifiers: ClinVar variation 1995068 (VCV001995068.4), dbSNP rs2466929638, ClinGen allele CA348244517.